The following is an entry in ClinVar:

ClinVar aggregate classification (germline): Conflicting classifications of pathogenicity. Review status: criteria provided, conflicting classifications (1 of 4 stars). 8 submissions from 8 submitters: Uncertain significance (7); Likely benign (1). Last evaluated 2026-02-01.

Conditions:
Lynch syndrome. Identifiers: Orphanet 144, MedGen C4552100, MONDO:0005835. Disease mechanism: loss of function.
Hereditary nonpolyposis colorectal neoplasms. Identifiers: MedGen C0009405, MeSH D003123.
Hereditary cancer-predisposing syndrome. Also called: Tumor predisposition; Hereditary Cancer Syndrome; Hereditary neoplastic syndrome; Neoplastic Syndromes, Hereditary. Identifiers: Orphanet 140162, MedGen C0027672, MeSH D009386, MONDO:0015356.

Allele frequency attached by ClinVar (database versions not stated): ExAC 0.00001; gnomAD 0.00001.
gnomAD v4.1: 18 of 1,613,938 alleles (0.0011%); highest among the groups gnomAD compares: Middle Eastern, 0.016%; no homozygotes.

Submissions (8):

Labcorp Genetics (formerly Invitae), Labcorp
Classification: Uncertain significance for Hereditary nonpolyposis colorectal neoplasms. Last evaluated: 2026-02-01. Review status: criteria provided, single submitter. Criteria: Invitae Variant Classification Sherloc (09022015). Collection method: clinical testing. Allele origin: germline.
Comment: This sequence change replaces alanine, which is neutral and non-polar, with valine, which is neutral and non-polar, at codon 488 of the PMS2 protein (p.Ala488Val). This variant is present in population databases (rs587779328, gnomAD 0.006%). This missense change has been observed in individual(s) with hereditary cancer (PMID: 27435373). ClinVar contains an entry for this variant (Variation ID: 91303). Invitae Evidence Modeling incorporating data from in vitro experimental studies (internal data) indicates that this missense variant is not expected to disrupt PMS2 function with a negative predictive value of 95%. Experimental studies have shown that this missense change does not substantially affect PMS2 function (PMID: 27435373). In summary, the available evidence is currently insufficient to determine the role of this variant in disease. Therefore, it has been classified as a Variant of Uncertain Significance.

Color Diagnostics, LLC DBA Color Health
Classification: Uncertain significance for Hereditary cancer-predisposing syndrome. Last evaluated: 2025-08-20. Review status: criteria provided, single submitter. Criteria: ACMG Guidelines, 2015. Collection method: clinical testing. Allele origin: germline.
Comment: This missense variant replaces alanine with valine at codon 488 of the PMS2 protein. Computational prediction suggests that this variant may not impact protein structure and function. A functional study reported that this variant did not impair DNA mismatch repair activity in vitro (PMID: 27435373). This variant has been detected in a suspected Lynch syndrome family (PMID: 27435373). This variant has been identified in 2/251460 chromosomes in the general population by the Genome Aggregation Database (gnomAD). The available evidence is insufficient to determine the role of this variant in disease conclusively. Therefore, this variant is classified as a Variant of Uncertain Significance.

Quest Diagnostics Nichols Institute San Juan Capistrano
Classification: Uncertain significance. Last evaluated: 2024-11-19. Review status: criteria provided, single submitter. Criteria: Quest Diagnostics criteria. Collection method: clinical testing. Allele origin: unknown.
Comment: The PMS2 c.1463C>T (p.Ala488Val) variant has been reported in the published literature in individuals with colorectal or gynecological cancers (PMID: 30850667 (2019), 20186688 (2010)). In a large scale breast cancer association study, this variant was observed in one breast cancer case and no reportedly healthy individuals (PMID: 33471991 (2021), see also LOVD). A functional study demonstrated that this variant is not damaging to mismatch repair function (PMID: 27435373 (2016)). The frequency of this variant in the general population, 0.000008 (2/251460 chromosomes (Genome Aggregation Database)), is uninformative in the assessment of its pathogenicity. Analysis of this variant using bioinformatics tools for the prediction of the effect of amino acid changes on protein structure and function yielded predictions that this variant is benign. Based on the available information, we are unable to determine the clinical significance of this variant.

All of Us Research Program, National Institutes of Health
Classification: Uncertain significance for Lynch syndrome. Last evaluated: 2023-03-23. Review status: criteria provided, single submitter. Criteria: ACMG Guidelines, 2015. Collection method: clinical testing. Allele origin: germline. Inheritance: Autosomal dominant inheritance. Observed: 1 variant allele, 1 heterozygote.
Comment: This missense variant replaces alanine with valine at codon 488 of the PMS2 protein. Computational prediction suggests that this variant may not impact protein structure and function (internally defined REVEL score threshold <= 0.5, PMID: 27666373). TA functional study reported that this variant did not impair DNA mismatch repair activity in vitro (PMID: 27435373). This variant has been detected in a suspected Lynch syndrome family (PMID: 27435373). This variant has been identified in 2/251460 chromosomes in the general population by the Genome Aggregation Database (gnomAD). The available evidence is insufficient to determine the role of this variant in disease conclusively. Therefore, this variant is classified as a Variant of Uncertain Significance.

This study involves interpretation of variants in research participants for the purpose of population health screening. Participant phenotype was not available at the time of variant classification. Additional details can be found in publication PMID: 35346344, PMCID: PMC8962531

GeneDx
Classification: Uncertain significance. Last evaluated: 2022-12-07. Review status: criteria provided, single submitter. Criteria: GeneDx Variant Classification Process June 2021. Collection method: clinical testing. Allele origin: germline. Affected: yes.
Comment: In silico analysis supports that this missense variant does not alter protein structure/function; Observed in at least one individual with adenomatous colorectal polyps, but demonstrated proficient mismatch repair (MMR) activity in an in vitro MMR assay (van der Klift et al., 2016); This variant is associated with the following publications: (PMID: 26333163, 27435373)

Department of Pathology and Laboratory Medicine, Sinai Health System
Classification: Uncertain significance for Lynch syndrome. Last evaluated: 2022-03-23. Review status: criteria provided, single submitter. Criteria: ACMG Guidelines, 2015. Collection method: clinical testing. Allele origin: germline. Affected: yes.

Ambry Genetics
Classification: Likely benign for Hereditary cancer-predisposing syndrome. Last evaluated: 2019-03-12. Review status: criteria provided, single submitter. Criteria: Ambry Variant Classification Scheme 2023. Collection method: clinical testing. Allele origin: germline.

Genomic Diagnostic Laboratory, Division of Genomic Diagnostics, Children's Hospital of Philadelphia
Classification: Uncertain significance for Lynch syndrome. Last evaluated: 2015-10-12. Review status: criteria provided, single submitter. Criteria: DGD Variant Analysis Guidelines. Collection method: clinical testing. Allele origin: unknown.

Literature cited by the submitters: PubMed 27435373 (cited by 6 submitters); PubMed 20186688 (cited by Quest Diagnostics Nichols Institute San Juan Capistrano); PubMed 30850667 (cited by Quest Diagnostics Nichols Institute San Juan Capistrano); PubMed 33471991 (cited by Quest Diagnostics Nichols Institute San Juan Capistrano).

NM_000535.7(PMS2):c.1463C>T (p.Ala488Val)

Gene: PMS2 (PMS1 homolog 2, mismatch repair system component; minus strand). Cytogenetic location: 7p22.1.
Variant type: single nucleotide variant.
Coding change: c.1463C>T on transcript NM_000535.7 (MANE Select); coding-DNA position 1463, C replaced by T.
Protein change: p.Ala488Val; replaces alanine 488 with valine.
Molecular consequence: missense variant. On other transcripts: non-coding transcript variant (1).
Genome position (GRCh38, 1-based): chr7:5,987,302, G>A on the plus strand (C>T on the coding strand, the complement: PMS2 is on the minus strand). VCF-style: chr7-5987302-G-A. GRCh37 (hg19) VCF-style: chr7-6026933-G-A.
Other names: c.1058C>T, p.Ala353Val (NM_001322003.2, NM_001322004.2, NM_001322005.2 and 1 more transcripts); c.1307C>T, p.Ala436Val (NM_001322006.2); c.1145C>T, p.Ala382Val (NM_001322007.2, NM_001322008.2); c.902C>T, p.Ala301Val (NM_001322010.2); c.530C>T, p.Ala177Val (NM_001322011.2, NM_001322012.2); c.890C>T, p.Ala297Val (NM_001322013.2); c.1463C>T, p.Ala488Val (NM_001322014.2); c.1154C>T, p.Ala385Val (NM_001322015.2); short protein forms A488V, A382V, A436V, A177V, A353V, A297V, A301V, A385V.
Identifiers: ClinVar variation 91303 (VCV000091303.30), dbSNP rs587779328, ClinGen allele CA009709.